The following is an entry in ClinVar:

ClinVar aggregate classification (germline): Uncertain significance (1 of 4 stars; one submission).

Conditions:
Tuberous sclerosis 2 (TSC2). Identifiers: Orphanet 805, MedGen C1860707, MONDO:0013199, OMIM 613254.

Submission:

Labcorp Genetics (formerly Invitae), Labcorp
Classification: Uncertain significance for Tuberous sclerosis 2. Last evaluated: 2022-09-15. Review status: criteria provided, single submitter. Criteria: Invitae Variant Classification Sherloc (09022015). Collection method: clinical testing. Allele origin: germline.
Comment: Advanced modeling of protein sequence and biophysical properties (such as structural, functional, and spatial information, amino acid conservation, physicochemical variation, residue mobility, and thermodynamic stability) performed at Invitae indicates that this missense variant is not expected to disrupt TSC2 protein function. This sequence change replaces alanine, which is neutral and non-polar, with glycine, which is neutral and non-polar, at codon 1009 of the TSC2 protein (p.Ala1009Gly). This variant is not present in population databases (gnomAD no frequency). This variant has not been reported in the literature in individuals affected with TSC2-related conditions. In summary, the available evidence is currently insufficient to determine the role of this variant in disease. Therefore, it has been classified as a Variant of Uncertain Significance.

NM_000548.5(TSC2):c.3026C>G (p.Ala1009Gly)

Gene: TSC2 (TSC complex subunit 2; plus strand). Cytogenetic location: 16p13.3.
Variant type: single nucleotide variant.
Coding change: c.3026C>G on transcript NM_000548.5 (MANE Select); coding-DNA position 3026, C replaced by G.
Protein change: p.Ala1009Gly; replaces alanine 1009 with glycine.
Molecular consequence: missense variant.
Genome position (GRCh38, 1-based): chr16:2,079,091, C>G. VCF-style: chr16-2079091-C-G. GRCh37 (hg19) VCF-style: chr16-2129092-C-G.
Other names: c.2894C>G, p.Ala965Gly (NM_001077183.3, NM_001370404.1, NM_001406665.1); c.3026C>G, p.Ala1009Gly (NM_001114382.3); c.2786C>G, p.Ala929Gly (NM_001318827.2); c.2750C>G, p.Ala917Gly (NM_001318829.2); c.2294C>G, p.Ala765Gly (NM_001318831.2, NM_001406687.1, NM_001406688.1); c.2927C>G, p.Ala976Gly (NM_001318832.2); c.2897C>G, p.Ala966Gly (NM_001363528.2, NM_001370405.1, NM_021055.3); c.3023C>G, p.Ala1008Gly (NM_001406663.1, NM_001406664.1); and 18 more; short protein forms A1008G, A1009G, A431G, A517G, A518G, A561G, A765G, A766G.
Identifiers: ClinVar variation 1719481 (VCV001719481.5), dbSNP rs1567496227, ClinGen allele CA394283970.